The following is an entry in ClinVar:

ClinVar aggregate classification (germline): Uncertain significance. Review status: criteria provided, single submitter (1 of 4 stars). 2 submissions from 2 submitters: Uncertain significance (1). 1 of the submissions does not count toward it. Last evaluated 2025-01-28.

Conditions:
Familial long QT syndrome (RWS). Also called: Congenital long QT syndrome; Romano-Ward syndrome; VENTRICULAR FIBRILLATION WITH PROLONGED QT INTERVAL. Identifiers: Orphanet 768, MedGen C1141890, MONDO:0019171.
Long QT syndrome (LQTS). Identifiers: MedGen C0023976, MeSH D008133, MONDO:0002442. Disease mechanism: loss of function. Inheritance: Various modes of inheritance.

Submissions (2):

Labcorp Genetics (formerly Invitae), Labcorp
Classification: Uncertain significance for Long QT syndrome. Last evaluated: 2025-01-28. Review status: criteria provided, single submitter. Criteria: Invitae Variant Classification Sherloc (09022015). Collection method: clinical testing. Allele origin: germline.
Comment: This sequence change replaces leucine, which is neutral and non-polar, with proline, which is neutral and non-polar, at codon 250 of the KCNQ1 protein (p.Leu250Pro). This variant is not present in population databases (gnomAD no frequency). This missense change has been observed in individual(s) with clinical features of long QT syndrome (PMID: 19716085). ClinVar contains an entry for this variant (Variation ID: 67103). Invitae Evidence Modeling of protein sequence and biophysical properties (such as structural, functional, and spatial information, amino acid conservation, physicochemical variation, residue mobility, and thermodynamic stability) indicates that this missense variant is expected to disrupt KCNQ1 protein function with a positive predictive value of 95%. In summary, the available evidence is currently insufficient to determine the role of this variant in disease. Therefore, it has been classified as a Variant of Uncertain Significance.

Cardiovascular Biomedical Research Unit, Royal Brompton & Harefield NHS Foundation Trust
No classification provided. Condition: Familial long QT syndrome. Review status: no classification provided. Collection method: literature only. Allele origin: germline. Not counted in ClinVar's aggregate classification.
Comment: This variant has been reported as associated with Long QT syndrome in the following publications (PMID:19716085). This is a literature report, and does not necessarily reflect the clinical interpretation of the Imperial College / Royal Brompton Cardiovascular Genetics laboratory.

Literature cited by the submitters: PubMed 19716085 (cited by Labcorp Genetics (formerly Invitae), Labcorp and Cardiovascular Biomedical Research Unit, Royal Brompton & Harefield NHS Foundation Trust); PubMed 22581653 (cited by Cardiovascular Biomedical Research Unit, Royal Brompton & Harefield NHS Foundation Trust).

NM_000218.3(KCNQ1):c.749T>C (p.Leu250Pro)

Gene: KCNQ1 (potassium voltage-gated channel subfamily Q member 1; plus strand). Cytogenetic location: 11p15.5.
Variant type: single nucleotide variant.
Coding change: c.749T>C on transcript NM_000218.3 (MANE Select); coding-DNA position 749, T replaced by C.
Protein change: p.Leu250Pro; replaces leucine 250 with proline.
Molecular consequence: missense variant.
Genome position (GRCh38, 1-based): chr11:2,572,078, T>C. VCF-style: chr11-2572078-T-C. GRCh37 (hg19) VCF-style: chr11-2593308-T-C.
Other names: c.749T>C (LRG_287t1); c.749T>C, p.Leu250Pro (NM_001406836.1); c.479T>C, p.Leu160Pro (NM_001406837.1); c.368T>C, p.Leu123Pro (NM_181798.2); short protein forms L250P, L123P, L160P.
Identifiers: ClinVar variation 67103 (VCV000067103.10), dbSNP rs199472715, ClinGen allele CA008075.